The following is an entry in ClinVar:

ClinVar aggregate classification (germline): Uncertain significance (1 of 4 stars; one submission).

Conditions:
HYPERHOMOCYSTEINEMIA, THROMBOTIC, CBS-RELATED. Identifiers: MedGen C3150344, OMIM 236200.

Submission:

Labcorp Genetics (formerly Invitae), Labcorp
Classification: Uncertain significance for HYPERHOMOCYSTEINEMIA, THROMBOTIC, CBS-RELATED. Last evaluated: 2023-11-08. Review status: criteria provided, single submitter. Criteria: Invitae Variant Classification Sherloc (09022015). Collection method: clinical testing. Allele origin: germline.
Comment: This sequence change replaces arginine, which is basic and polar, with proline, which is neutral and non-polar, at codon 209 of the CBS protein (p.Arg209Pro). This variant is not present in population databases (gnomAD no frequency). This variant has not been reported in the literature in individuals affected with CBS-related conditions. ClinVar contains an entry for this variant (Variation ID: 2091140). Advanced modeling of protein sequence and biophysical properties (such as structural, functional, and spatial information, amino acid conservation, physicochemical variation, residue mobility, and thermodynamic stability) performed at Invitae indicates that this missense variant is expected to disrupt CBS protein function with a positive predictive value of 95%. In summary, the available evidence is currently insufficient to determine the role of this variant in disease. Therefore, it has been classified as a Variant of Uncertain Significance.

NM_000071.3(CBS):c.626G>C (p.Arg209Pro)

Gene: CBS (cystathionine beta-synthase; minus strand). Cytogenetic location: 21q22.3.
Variant type: single nucleotide variant.
Coding change: c.626G>C on transcript NM_000071.3 (MANE Select); coding-DNA position 626, G replaced by C.
Protein change: p.Arg209Pro; replaces arginine 209 with proline.
Molecular consequence: missense variant.
Genome position (GRCh38, 1-based): chr21:43,065,427, C>G on the plus strand (G>C on the coding strand, the complement: CBS is on the minus strand). VCF-style: chr21-43065427-C-G. GRCh37 (hg19) VCF-style: chr21-44485537-C-G.
Other names: c.626G>C, p.Arg209Pro (NM_001178008.3, NM_001178009.3, NM_001320298.2); c.311G>C, p.Arg104Pro (NM_001321072.1); short protein forms R209P, R104P.
Identifiers: ClinVar variation 2091140 (VCV002091140.4), dbSNP rs781759129, ClinGen allele CA410600878.
Genomic context (GRCh38, chr21:43,065,427, plus strand): 5'-CCAGGCCCCAGGTGCCTCACCTGGTCTAGGATGTGAGAATTGGGGATTTCGTTCTTCAGC[C>G]GCCAGGCCACCCCCACGTGTGACTCCGGGGAGTCGAACCTGGCATTGGTGGGCGTCCTCA-3'
Protein context (NP_000062.1, residues 199-219): SPESHVGVAW[Arg209Pro]LKNEIPNSHI